The following is an entry in ClinVar:

NM_020964.3(EPG5):c.6658A>G (p.Met2220Val)

Gene: EPG5 (ectopic P-granules 5 autophagy tethering factor; minus strand). Cytogenetic location: 18q12.3.
Variant type: single nucleotide variant.
Coding change: c.6658A>G on transcript NM_020964.3 (MANE Select); coding-DNA position 6658, A replaced by G.
Protein change: p.Met2220Val; replaces methionine 2220 with valine.
Molecular consequence: missense variant.
Genome position (GRCh38, 1-based): chr18:45,865,723, T>C on the plus strand (A>G on the coding strand, the complement: EPG5 is on the minus strand). VCF-style: chr18-45865723-T-C. GRCh37 (hg19) VCF-style: chr18-43445688-T-C.
Other names: short protein forms M2220V.
Identifiers: ClinVar variation 1006415 (VCV001006415.9), dbSNP rs1431261711, ClinGen allele CA402338485.

ClinVar aggregate classification (germline): Uncertain significance (1 of 4 stars; one submission).

Conditions:
Vici syndrome (VICIS). Identifiers: Orphanet 1493, MedGen C1855772, MONDO:0009452, OMIM 242840.

Allele frequency attached by ClinVar (database versions not stated): TOPMed below 0.00001.

Submission:

Labcorp Genetics (formerly Invitae), Labcorp
Classification: Uncertain significance for Vici syndrome. Last evaluated: 2024-04-10. Review status: criteria provided, single submitter. Criteria: Invitae Variant Classification Sherloc (09022015). Collection method: clinical testing. Allele origin: germline.
Comment: This sequence change replaces methionine, which is neutral and non-polar, with valine, which is neutral and non-polar, at codon 2220 of the EPG5 protein (p.Met2220Val). This variant is not present in population databases (gnomAD no frequency). This variant has not been reported in the literature in individuals affected with EPG5-related conditions. ClinVar contains an entry for this variant (Variation ID: 1006415). Advanced modeling of protein sequence and biophysical properties (such as structural, functional, and spatial information, amino acid conservation, physicochemical variation, residue mobility, and thermodynamic stability) performed at Invitae indicates that this missense variant is not expected to disrupt EPG5 protein function with a negative predictive value of 80%. In summary, the available evidence is currently insufficient to determine the role of this variant in disease. Therefore, it has been classified as a Variant of Uncertain Significance.